The following is an entry in ClinVar:

NM_022436.3(ABCG5):c.1501T>C (p.Tyr501His)

Genes: ABCG5 (ATP binding cassette subfamily G member 5; minus strand), DYNC2LI1 (dynein cytoplasmic 2 light intermediate chain 1; plus strand). Cytogenetic location: 2p21.
Variant type: single nucleotide variant.
Coding change: c.1501T>C on transcript NM_022436.3 (MANE Select); coding-DNA position 1501, T replaced by C.
Protein change: p.Tyr501His; replaces tyrosine 501 with histidine.
Molecular consequence: missense variant. On other transcripts: intron variant (2).
Genome position (GRCh38, 1-based): chr2:43,820,063, A>G on the plus strand (T>C on the coding strand, the complement: ABCG5 is on the minus strand). VCF-style: chr2-43820063-A-G. GRCh37 (hg19) VCF-style: chr2-44047202-A-G.
Other names: p.Tyr501His; c.*16-7323A>G (NM_001348913.2, NM_001348912.2); short protein forms Y501H.
Identifiers: ClinVar variation 2497234 (VCV002497234.4), dbSNP rs1002014813, ClinGen allele CA46455049.
Genomic context (GRCh38, chr2:43,820,063, plus strand): 5'-GTAGCACAAGAGTTAGAAATTCACCAATTAAGTGGGGGGCCAAGAGAGCAGCAGAAAAAT[A>G]TCCAAATCGGGCAACCTCAGGATGTAAGCCCAGCGTCCTAGAAAAGCATAAGCTCTTTAG-3'
Protein context (NP_071881.1, residues 491-511): GLHPEVARFG[Tyr501His]FSAALLAPHL

ClinVar aggregate classification (germline): Uncertain significance. Review status: criteria provided, multiple submitters, no conflicts (2 of 4 stars). 2 submissions from 2 submitters: Uncertain significance (2). Last evaluated 2025-01-27.

Conditions:
Cardiovascular phenotype. Identifiers: MedGen CN230736.

Allele frequency attached by ClinVar (database versions not stated): gnomAD 0.00003; TOPMed 0.00011.
gnomAD v4.1: 15 of 1,614,068 alleles (0.00093%); highest among the groups gnomAD compares: Admixed American, 0.0083%; no homozygotes.

Submissions (2):

Ambry Genetics
Classification: Uncertain significance for Cardiovascular phenotype. Last evaluated: 2025-01-27. Review status: criteria provided, single submitter. Criteria: Ambry Variant Classification Scheme 2023. Collection method: clinical testing. Allele origin: germline.
Comment: The p.Y501H variant (also known as c.1501T>C), located in coding exon 11 of the ABCG5 gene, results from a T to C substitution at nucleotide position 1501. The tyrosine at codon 501 is replaced by histidine, an amino acid with similar properties. This amino acid position is conserved. In addition, this alteration is predicted to be tolerated by in silico analysis. Since supporting evidence is limited at this time, the clinical significance of this alteration remains unclear.

Mayo Clinic Laboratories, Mayo Clinic
Classification: Uncertain significance. Last evaluated: 2024-07-01. Review status: criteria provided, single submitter. Criteria: ACMG Guidelines, 2015. Collection method: clinical testing. Allele origin: germline. Observed: 1 variant allele.
Comment: PM1_supporting, PM2